The following is an entry in ClinVar:

ClinVar aggregate classification (germline): Uncertain significance (1 of 4 stars; one submission).

Conditions:
Hereditary cancer-predisposing syndrome. Also called: Neoplastic Syndromes, Hereditary; Tumor predisposition; Hereditary Cancer Syndrome; Hereditary neoplastic syndrome. Identifiers: Orphanet 140162, MedGen C0027672, MeSH D009386, MONDO:0015356.

Allele frequency attached by ClinVar (database versions not stated): TOPMed below 0.00001.

Submission:

Ambry Genetics
Classification: Uncertain significance for Hereditary cancer-predisposing syndrome. Last evaluated: 2017-10-12. Review status: criteria provided, single submitter. Criteria: Ambry Variant Classification Scheme 2023. Collection method: clinical testing. Allele origin: germline.
Comment: The p.C1359F variant (also known as c.4076G>T), located in coding exon 28 of the SMARCA4 gene, results from a G to T substitution at nucleotide position 4076. The cysteine at codon 1359 is replaced by phenylalanine, an amino acid with highly dissimilar properties. This amino acid position is highly conserved in available vertebrate species. In addition, this alteration is predicted to be deleterious by in silico analysis. Since supporting evidence is limited at this time, the clinical significance of this alteration remains unclear.

NM_003072.5(SMARCA4):c.4076G>T (p.Cys1359Phe)

Gene: SMARCA4 (SWI/SNF related BAF chromatin remodeling complex subunit ATPase 4; plus strand). Cytogenetic location: 19p13.2.
Variant type: single nucleotide variant.
Coding change: c.4076G>T on transcript NM_003072.5 (MANE Select); coding-DNA position 4076, G replaced by T.
Protein change: p.Cys1359Phe; replaces cysteine 1359 with phenylalanine.
Molecular consequence: missense variant. On other transcripts: non-coding transcript variant (1).
Genome position (GRCh38, 1-based): chr19:11,035,038, G>T. VCF-style: chr19-11035038-G-T. GRCh37 (hg19) VCF-style: chr19-11145714-G-T.
Other names: c.4076G>T, p.Cys1359Phe (NM_001128844.3, NM_001128849.3, NM_001387283.1); c.3977G>T, p.Cys1326Phe (NM_001128845.2, NM_001128846.2, NM_001128847.4 and 3 more transcripts); short protein forms C1359F, C1326F.
Identifiers: ClinVar variation 1737587 (VCV001737587.2), dbSNP rs2075182244, ClinGen allele CA404068262.